The following is an entry in ClinVar:

ClinVar aggregate classification (germline): Uncertain significance (1 of 4 stars; one submission).

Conditions:
Hypertrophic cardiomyopathy. Also called: HYPERTROPHIC MYOCARDIOPATHY. Identifiers: Orphanet 217569, MedGen C0007194, MeSH D002312, MONDO:0005045, HP:0001639.

gnomAD v4.1: 23 of 1,612,704 alleles (0.0014%); highest among the groups gnomAD compares: Non-Finnish European, 0.0019%; no homozygotes.

Submission:

Labcorp Genetics (formerly Invitae), Labcorp
Classification: Uncertain significance for Hypertrophic cardiomyopathy. Last evaluated: 2025-08-09. Review status: criteria provided, single submitter. Criteria: Invitae Variant Classification Sherloc (09022015). Collection method: clinical testing. Allele origin: germline.
Comment: This sequence change replaces serine, which is neutral and polar, with arginine, which is basic and polar, at codon 1026 of the MYOM1 protein (p.Ser1026Arg). This variant is not present in population databases (gnomAD no frequency). This variant has not been reported in the literature in individuals affected with MYOM1-related conditions. ClinVar contains an entry for this variant (Variation ID: 1392350). Invitae Evidence Modeling of protein sequence and biophysical properties (such as structural, functional, and spatial information, amino acid conservation, physicochemical variation, residue mobility, and thermodynamic stability) indicates that this missense variant is not expected to disrupt MYOM1 protein function with a negative predictive value of 80%. In summary, the available evidence is currently insufficient to determine the role of this variant in disease. Therefore, it has been classified as a Variant of Uncertain Significance.

NM_003803.4(MYOM1):c.3078C>G (p.Ser1026Arg)

Gene: MYOM1 (myomesin 1; minus strand). Cytogenetic location: 18p11.31.
Variant type: single nucleotide variant.
Coding change: c.3078C>G on transcript NM_003803.4 (MANE Select); coding-DNA position 3078, C replaced by G.
Protein change: p.Ser1026Arg; replaces serine 1026 with arginine.
Molecular consequence: missense variant.
Genome position (GRCh38, 1-based): chr18:3,119,909, G>C on the plus strand (C>G on the coding strand, the complement: MYOM1 is on the minus strand). VCF-style: chr18-3119909-G-C. GRCh37 (hg19) VCF-style: chr18-3119907-G-C.
Other names: c.2790C>G, p.Ser930Arg (NM_019856.2); short protein forms S930R, S1026R.
Identifiers: ClinVar variation 1392350 (VCV001392350.8), dbSNP rs984812597, ClinGen allele CA401706925.